The following is an entry in ClinVar:

ClinVar aggregate classification (germline): Uncertain significance (1 of 4 stars; one submission).

Conditions:
Hypertrophic cardiomyopathy. Also called: HYPERTROPHIC MYOCARDIOPATHY. Identifiers: Orphanet 217569, MedGen C0007194, MeSH D002312, MONDO:0005045, HP:0001639.

Allele frequency attached by ClinVar (database versions not stated): gnomAD exomes below 0.00001.
gnomAD v4.1: 1 of 1,599,606 alleles (0.000063%); highest among the groups gnomAD compares: South Asian, 0.0011%; no homozygotes.

Submission:

Labcorp Genetics (formerly Invitae), Labcorp
Classification: Uncertain significance for Hypertrophic cardiomyopathy. Last evaluated: 2025-10-12. Review status: criteria provided, single submitter. Criteria: Invitae Variant Classification Sherloc (09022015). Collection method: clinical testing. Allele origin: germline.
Comment: This sequence change replaces serine, which is neutral and polar, with asparagine, which is neutral and polar, at codon 36 of the TPM1 protein (p.Ser36Asn). The frequency data for this variant in the population databases is considered unreliable, as metrics indicate poor data quality at this position in the gnomAD database. This variant has not been reported in the literature in individuals affected with TPM1-related conditions. ClinVar contains an entry for this variant (Variation ID: 948834). An algorithm developed to predict the effect of missense changes on protein structure and function (PolyPhen-2) suggests that this variant is likely to be tolerated. In summary, the available evidence is currently insufficient to determine the role of this variant in disease. Therefore, it has been classified as a Variant of Uncertain Significance.

NM_001018005.2(TPM1):c.107G>A (p.Ser36Asn)

Gene: TPM1 (tropomyosin 1; plus strand). Cytogenetic location: 15q22.2.
Variant type: single nucleotide variant.
Coding change: c.107G>A on transcript NM_001018005.2 (MANE Select); coding-DNA position 107, G replaced by A.
Protein change: p.Ser36Asn; replaces serine 36 with asparagine.
Molecular consequence: missense variant.
Genome position (GRCh38, 1-based): chr15:63,042,936, G>A. VCF-style: chr15-63042936-G-A. GRCh37 (hg19) VCF-style: chr15-63335135-G-A.
Other names: c.107G>A, p.Ser36Asn (NM_000366.6, NM_001018004.2, NM_001018006.2 and 7 more transcripts); short protein forms S36N.
Identifiers: ClinVar variation 948834 (VCV000948834.9), dbSNP rs1174194983, ClinGen allele CA392718159.